The following is an entry in ClinVar:

ClinVar aggregate classification (germline): Uncertain significance (1 of 4 stars; one submission).

Allele frequency attached by ClinVar (database versions not stated): gnomAD exomes below 0.00001.
gnomAD v4.1: 1 of 1,549,858 alleles (0.000065%); highest among the groups gnomAD compares: Non-Finnish European, 0.000087%; no homozygotes.

Submission:

GeneDx
Classification: Uncertain significance. Last evaluated: 2022-03-11. Review status: criteria provided, single submitter. Criteria: GeneDx Variant Classification Process June 2021. Collection method: clinical testing. Allele origin: germline. Affected: yes.
Comment: Has not been previously published as pathogenic or benign to our knowledge; Not observed at significant frequency in large population cohorts (gnomAD); In silico analysis supports that this missense variant does not alter protein structure/function

NM_001367624.2(ZNF469):c.10549C>G (p.Pro3517Ala)

Gene: ZNF469 (zinc finger protein 469; plus strand). Cytogenetic location: 16q24.2.
Variant type: single nucleotide variant.
Coding change: c.10549C>G on transcript NM_001367624.2 (MANE Select); coding-DNA position 10549, C replaced by G.
Protein change: p.Pro3517Ala; replaces proline 3517 with alanine.
Molecular consequence: missense variant.
Genome position (GRCh38, 1-based): chr16:88,438,019, C>G. VCF-style: chr16-88438019-C-G. GRCh37 (hg19) VCF-style: chr16-88504427-C-G.
Other names: NM_001127464.1:c.10465C>G; short protein forms P3517A.
Identifiers: ClinVar variation 1343929 (VCV001343929.2), dbSNP rs2142316054, ClinGen allele CA397127200.